The following is an entry in ClinVar:

ClinVar aggregate classification (germline): Uncertain significance (1 of 4 stars; one submission).

Submission:

Labcorp Genetics (formerly Invitae), Labcorp
Classification: Uncertain significance. Last evaluated: 2021-09-15. Review status: criteria provided, single submitter. Criteria: Invitae Variant Classification Sherloc (09022015). Collection method: clinical testing. Allele origin: germline.
Comment: This sequence change replaces phenylalanine with serine at codon 700 of the SLC26A3 protein (p.Phe700Ser). The phenylalanine residue is moderately conserved and there is a large physicochemical difference between phenylalanine and serine. This variant is not present in population databases (ExAC no frequency). In summary, the available evidence is currently insufficient to determine the role of this variant in disease. Therefore, it has been classified as a Variant of Uncertain Significance. Advanced modeling of protein sequence and biophysical properties (such as structural, functional, and spatial information, amino acid conservation, physicochemical variation, residue mobility, and thermodynamic stability) performed at Invitae indicates that this missense variant is expected to disrupt SLC26A3 protein function. This variant has not been reported in the literature in individuals affected with SLC26A3-related conditions.

NM_000111.3(SLC26A3):c.2099T>C (p.Phe700Ser)

Gene: SLC26A3 (solute carrier family 26 member 3; minus strand). Cytogenetic location: 7q22.3.
Variant type: single nucleotide variant.
Coding change: c.2099T>C on transcript NM_000111.3 (MANE Select); coding-DNA position 2099, T replaced by C.
Protein change: p.Phe700Ser; replaces phenylalanine 700 with serine.
Molecular consequence: missense variant.
Genome position (GRCh38, 1-based): chr7:107,767,872, A>G on the plus strand (T>C on the coding strand, the complement: SLC26A3 is on the minus strand). VCF-style: chr7-107767872-A-G. GRCh37 (hg19) VCF-style: chr7-107408317-A-G.
Other names: short protein forms F700S.
Identifiers: ClinVar variation 1475094 (VCV001475094.6), dbSNP rs2115783623, ClinGen allele CA368849740.